The following is an entry in ClinVar:

NM_007194.4(CHEK2):c.685_686delinsAT (p.Gly229Ile)

Gene: CHEK2 (checkpoint kinase 2; minus strand). Cytogenetic location: 22q12.1.
Variant type: Indel.
Coding change: c.685_686delinsAT on transcript NM_007194.4 (MANE Select); coding-DNA positions 685 to 686, GG replaced by AT.
Protein change: p.Gly229Ile; replaces glycine 229 with isoleucine.
Molecular consequence: missense variant.
Genome position (GRCh38, 1-based): chr22:28,712,015-28,712,016, CC replaced by AT on the plus strand (GG replaced by AT on the coding strand, the reverse complement: CHEK2 is on the minus strand). VCF-style: chr22-28712015-CC-AT. GRCh37 (hg19) VCF-style: chr22-29108003-CC-AT.
Other names: c.814_815delGGinsAT, p.Gly272Ile (NM_001005735.3); c.22_23delGGinsAT, p.Gly8Ile (NM_001257387.3); c.484_485delGGinsAT, p.Gly162Ile (NM_001349956.3); c.685_686delGGinsAT, p.Gly229Ile (NM_145862.3); short protein forms G162I, G8I, G229I, G272I.
Identifiers: ClinVar variation 485520 (VCV000485520.5), dbSNP rs1555921367, ClinGen allele CA658656815.

ClinVar aggregate classification (germline): Uncertain significance (1 of 4 stars; one submission).

Conditions:
Hereditary cancer-predisposing syndrome. Also called: Tumor predisposition; Hereditary Cancer Syndrome; Hereditary neoplastic syndrome; Neoplastic Syndromes, Hereditary. Identifiers: Orphanet 140162, MedGen C0027672, MeSH D009386, MONDO:0015356.

Submission:

Ambry Genetics
Classification: Uncertain significance for Hereditary cancer-predisposing syndrome. Last evaluated: 2017-01-23. Review status: criteria provided, single submitter. Criteria: Ambry Variant Classification Scheme 2023. Collection method: clinical testing. Allele origin: germline.
Comment: The c.685_686delGGinsAT variant, located in coding exon 5 of the CHEK2 gene, results from an in-frame deletion of GG and insertion of AT at nucleotide positions 685 to 686. This results in the substitution of the glycine residue for an isoleucine residue at codon 229, an amino acid with dissimilar properties. This amino acid position is highly conserved in available vertebrate species. Since supporting evidence is limited at this time, the clinical significance of this alteration remains unclear.